The following is an entry in ClinVar:

ClinVar aggregate classification (germline): Uncertain significance (1 of 4 stars; one submission).

Conditions:
Autosomal dominant childhood-onset proximal spinal muscular atrophy with contractures (SMALED2A). Also called: Spinal muscular atrophy, lower extremity-predominant, 2A, autosomal dominant; SPINAL MUSCULAR ATROPHY, LOWER EXTREMITY-PREDOMINANT, 2A, CHILDHOOD ONSET, AUTOSOMAL DOMINANT. Identifiers: Orphanet 363447, Orphanet 363454, MedGen C4747715, MONDO:0014121, OMIM 615290.

gnomAD v4.1: 2 of 1,612,712 alleles (0.00012%); highest among the groups gnomAD compares: Middle Eastern, 0.017%; no homozygotes.

Submission:

Labcorp Genetics (formerly Invitae), Labcorp
Classification: Uncertain significance for Autosomal dominant childhood-onset proximal spinal muscular atrophy with contractures. Last evaluated: 2025-01-29. Review status: criteria provided, single submitter. Criteria: Invitae Variant Classification Sherloc (09022015). Collection method: clinical testing. Allele origin: germline.
Comment: This sequence change replaces valine, which is neutral and non-polar, with leucine, which is neutral and non-polar, at codon 512 of the BICD2 protein (p.Val512Leu). This variant is not present in population databases (gnomAD no frequency). This variant has not been reported in the literature in individuals affected with BICD2-related conditions. Invitae Evidence Modeling of protein sequence and biophysical properties (such as structural, functional, and spatial information, amino acid conservation, physicochemical variation, residue mobility, and thermodynamic stability) indicates that this missense variant is not expected to disrupt BICD2 protein function with a negative predictive value of 80%. In summary, the available evidence is currently insufficient to determine the role of this variant in disease. Therefore, it has been classified as a Variant of Uncertain Significance.

NM_001003800.2(BICD2):c.1534G>C (p.Val512Leu)

Gene: BICD2 (BICD cargo adaptor 2; minus strand). Cytogenetic location: 9q22.31.
Variant type: single nucleotide variant.
Coding change: c.1534G>C on transcript NM_001003800.2 (MANE Select); coding-DNA position 1534, G replaced by C.
Protein change: p.Val512Leu; replaces valine 512 with leucine.
Molecular consequence: missense variant.
Genome position (GRCh38, 1-based): chr9:92,719,111, C>G on the plus strand (G>C on the coding strand, the complement: BICD2 is on the minus strand). VCF-style: chr9-92719111-C-G. GRCh37 (hg19) VCF-style: chr9-95481393-C-G.
Other names: c.1534G>C, p.Val512Leu (NM_015250.4); short protein forms V512L.
Identifiers: ClinVar variation 3621265 (VCV003621265.2).